The following is an entry in ClinVar:

NM_006904.7(PRKDC):c.4271C>T (p.Thr1424Ile)

Gene: PRKDC (protein kinase, DNA-activated, catalytic subunit; minus strand). Cytogenetic location: 8q11.21.
Variant type: single nucleotide variant.
Coding change: c.4271C>T on transcript NM_006904.7 (MANE Select); coding-DNA position 4271, C replaced by T.
Protein change: p.Thr1424Ile; replaces threonine 1424 with isoleucine.
Molecular consequence: missense variant.
Genome position (GRCh38, 1-based): chr8:47,889,023, G>A on the plus strand (C>T on the coding strand, the complement: PRKDC is on the minus strand). VCF-style: chr8-47889023-G-A. GRCh37 (hg19) VCF-style: chr8-48801584-G-A.
Other names: c.4271C>T, p.Thr1424Ile (NM_001081640.2); short protein forms T1424I.
Identifiers: ClinVar variation 541995 (VCV000541995.7), dbSNP rs1482599945, ClinGen allele CA371146116.

ClinVar aggregate classification (germline): Uncertain significance (1 of 4 stars; one submission).

Conditions:
Severe combined immunodeficiency due to DNA-PKcs deficiency. Also called: IMMUNODEFICIENCY 26 WITH NEUROLOGIC ABNORMALITIES; Immunodeficiency 26 with or without neurologic abnormalities. Identifiers: Orphanet 317425, MedGen C4014833, MONDO:0014423, OMIM 615966.

Allele frequency attached by ClinVar (database versions not stated): gnomAD exomes below 0.00001; gnomAD 0.00001.
gnomAD v4.1: 3 of 1,613,528 alleles (0.00019%); highest among the groups gnomAD compares: Middle Eastern, 0.017%; no homozygotes.

Submission:

Labcorp Genetics (formerly Invitae), Labcorp
Classification: Uncertain significance for Severe combined immunodeficiency due to DNA-PKcs deficiency. Last evaluated: 2017-12-19. Review status: criteria provided, single submitter. Criteria: Invitae Variant Classification Sherloc (09022015). Collection method: clinical testing. Allele origin: germline.
Comment: This sequence change replaces threonine with isoleucine at codon 1424 of the PRKDC protein (p.Thr1424Ile). The threonine residue is highly conserved and there is a moderate physicochemical difference between threonine and isoleucine. This variant is not present in population databases (ExAC no frequency). This variant has not been reported in the literature in individuals with PRKDC-related disease. In summary, the available evidence is currently insufficient to determine the role of this variant in disease. Therefore, it has been classified as a Variant of Uncertain Significance. Algorithms developed to predict the effect of missense changes on protein structure and function do not agree on the potential impact of this missense change (SIFT: "deleterious"; PolyPhen-2: "benign"; Align-GVGD: "Class C0").